The following is an entry in ClinVar:

ClinVar aggregate classification (germline): Uncertain significance (1 of 4 stars; one submission).

gnomAD v4.1: 9 of 1,585,502 alleles (0.00057%); highest among the groups gnomAD compares: South Asian, 0.0081%; no homozygotes.

Submission:

CeGaT Center for Human Genetics Tuebingen
Classification: Uncertain significance. Last evaluated: 2025-06-01. Review status: criteria provided, single submitter. Criteria: CeGaT Center For Human Genetics Tuebingen Variant Classification Criteria Version 2. Collection method: clinical testing. Allele origin: germline. Affected: yes. Observed: 1 variant allele.
Comment: IFIH1: PM2, BP4

NM_022168.4(IFIH1):c.437T>C (p.Ile146Thr)

Gene: IFIH1 (interferon induced with helicase C domain 1; minus strand). Cytogenetic location: 2q24.2.
Variant type: single nucleotide variant.
Coding change: c.437T>C on transcript NM_022168.4 (MANE Select); coding-DNA position 437, T replaced by C.
Protein change: p.Ile146Thr; replaces isoleucine 146 with threonine.
Molecular consequence: missense variant.
Genome position (GRCh38, 1-based): chr2:162,317,871, A>G on the plus strand (T>C on the coding strand, the complement: IFIH1 is on the minus strand). VCF-style: chr2-162317871-A-G. GRCh37 (hg19) VCF-style: chr2-163174381-A-G.
Other names: short protein forms I146T.
Identifiers: ClinVar variation 4085198 (VCV004085198.8).